The following is an entry in ClinVar:

NM_015272.5(RPGRIP1L):c.2564dup (p.Tyr855Ter)

Gene: RPGRIP1L (RPGRIP1 like; minus strand). Cytogenetic location: 16q12.2.
Variant type: Duplication.
Coding change: c.2564dup on transcript NM_015272.5 (MANE Select); coding-DNA position 2564, one base duplicated (A; older notation c.2564dupA).
Protein change: p.Tyr855Ter; replaces tyrosine 855 with a stop codon.
Molecular consequence: nonsense.
Genome position (GRCh38, 1-based): chr16:53,645,744, T duplicated on the plus strand (A on the coding strand, the reverse complement: RPGRIP1L is on the minus strand). VCF-style (leftmost placement, unchanged base first): chr16-53645743-G-GT. GRCh37 (hg19) VCF-style: chr16-53679655-G-GT.
Other names: c.2564dup, p.Tyr855Ter (NM_001127897.4, NM_001308334.3, NM_001330538.2); short protein forms Y855*.
Identifiers: ClinVar variation 4815838 (VCV004815838.1).

ClinVar aggregate classification (germline): Likely pathogenic (1 of 4 stars; one submission).

Conditions:
Joubert syndrome. Also called: Familial aplasia of the vermis; JOUBERT-BOLTSHAUSER SYNDROME; CEREBELLOPARENCHYMAL DISORDER IV. Identifiers: Orphanet 475, MedGen C5979921, MONDO:0018772.

Submission:

Natera, Inc.
Classification: Likely pathogenic for Joubert syndrome. Last evaluated: 2024-09-16. Review status: criteria provided, single submitter. Criteria: Natera Variant Classification Schema (03/2026). Collection method: clinical testing. Allele origin: germline.
Comment: The c.2564dupA variant in RPGRIP1L is a frameshift variant predicted to shift the reading frame and introduce a stop codon. This variant is expected to result in nonsense mediated decay, truncation, or a dysfunctional protein product. This variant is rare in the general population with a frequency below the threshold expected for the associated phenotype(s). Given the available evidence, this variant is classified as Likely Pathogenic.